The following is an entry in ClinVar:

NM_001365999.1(SZT2):c.7499C>A (p.Ala2500Asp)

Gene: SZT2 (SZT2 subunit of KICSTOR complex; plus strand). Cytogenetic location: 1p34.2.
Variant type: single nucleotide variant.
Coding change: c.7499C>A on transcript NM_001365999.1 (MANE Select); coding-DNA position 7499, C replaced by A.
Protein change: p.Ala2500Asp; replaces alanine 2500 with aspartic acid.
Molecular consequence: missense variant.
Genome position (GRCh38, 1-based): chr1:43,441,368, C>A. VCF-style: chr1-43441368-C-A. GRCh37 (hg19) VCF-style: chr1-43907039-C-A.
Other names: c.7328C>A, p.Ala2443Asp (NM_015284.4); short protein forms A2443D, A2500D.
Identifiers: ClinVar variation 2904502 (VCV002904502.3), dbSNP rs780785276, ClinGen allele CA810235.

ClinVar aggregate classification (germline): Uncertain significance (1 of 4 stars; one submission).

Allele frequency attached by ClinVar (database versions not stated): gnomAD 0.00001; gnomAD exomes 0.00001; TOPMed 0.00001; ExAC 0.00002.
gnomAD v4.1: 4 of 1,613,900 alleles (0.00025%); highest among the groups gnomAD compares: Admixed American, 0.005%; no homozygotes.

Submission:

Labcorp Genetics (formerly Invitae), Labcorp
Classification: Uncertain significance. Last evaluated: 2025-01-06. Review status: criteria provided, single submitter. Criteria: Invitae Variant Classification Sherloc (09022015). Collection method: clinical testing. Allele origin: germline.
Comment: This sequence change replaces alanine, which is neutral and non-polar, with aspartic acid, which is acidic and polar, at codon 2443 of the SZT2 protein (p.Ala2443Asp). This variant is present in population databases (rs780785276, gnomAD 0.006%). This variant has not been reported in the literature in individuals affected with SZT2-related conditions. ClinVar contains an entry for this variant (Variation ID: 2904502). Invitae Evidence Modeling of protein sequence and biophysical properties (such as structural, functional, and spatial information, amino acid conservation, physicochemical variation, residue mobility, and thermodynamic stability) indicates that this missense variant is not expected to disrupt SZT2 protein function with a negative predictive value of 80%. In summary, the available evidence is currently insufficient to determine the role of this variant in disease. Therefore, it has been classified as a Variant of Uncertain Significance.